The following is an entry in ClinVar:

NM_006514.4(SCN10A):c.2674_2675delinsAT (p.Ser892Ile)

Gene: SCN10A (sodium voltage-gated channel alpha subunit 10; minus strand). Cytogenetic location: 3p22.2.
Variant type: Indel.
Coding change: c.2674_2675delinsAT on transcript NM_006514.4 (MANE Select); coding-DNA positions 2674 to 2675, TC replaced by AT.
Protein change: p.Ser892Ile; replaces serine 892 with isoleucine.
Molecular consequence: missense variant.
Genome position (GRCh38, 1-based): chr3:38,727,018-38,727,019, GA replaced by AT on the plus strand (TC replaced by AT on the coding strand, the reverse complement: SCN10A is on the minus strand). VCF-style: chr3-38727018-GA-AT. GRCh37 (hg19) VCF-style: chr3-38768509-GA-AT.
Other names: c.2674_2675delinsAT, p.Ser892Ile (NM_001293306.2); c.2380_2381delinsAT, p.Ser794Ile (NM_001293307.2); short protein forms S794I, S892I.
Identifiers: ClinVar variation 4733363 (VCV004733363.1).

ClinVar aggregate classification (germline): Uncertain significance (1 of 4 stars; one submission).

Conditions:
Brugada syndrome. Also called: Sudden unexpected nocturnal death syndrome; Sudden Unexplained Death Syndrome; Sudden Unexplained Nocturnal Death Syndrome (SUNDS); Sudden unexplained nocturnal death syndrome. Identifiers: Orphanet 130, MedGen C1142166, MONDO:0015263.

Submission:

Labcorp Genetics (formerly Invitae), Labcorp
Classification: Uncertain significance for Brugada syndrome. Last evaluated: 2025-12-16. Review status: criteria provided, single submitter. Criteria: Invitae Variant Classification Sherloc (09022015). Collection method: clinical testing. Allele origin: germline.
Comment: This sequence change replaces serine, which is neutral and polar, with isoleucine, which is neutral and non-polar, at codon 892 of the SCN10A protein (p.Ser892Ile). Information on the frequency of this variant in the gnomAD database is not available, as this variant may be reported differently in the database. This variant has not been reported in the literature in individuals affected with SCN10A-related conditions. An algorithm developed to predict the effect of missense changes on protein structure and function (PolyPhen-2) suggests that this variant is likely to be disruptive. In summary, the available evidence is currently insufficient to determine the role of this variant in disease. Therefore, it has been classified as a Variant of Uncertain Significance.